The following is an entry in ClinVar:

NM_001698.3(AUH):c.658G>C (p.Gly220Arg)

Gene: AUH (AU RNA binding methylglutaconyl-CoA hydratase; minus strand). Cytogenetic location: 9q22.31.
Variant type: single nucleotide variant.
Coding change: c.658G>C on transcript NM_001698.3 (MANE Select); coding-DNA position 658, G replaced by C.
Protein change: p.Gly220Arg; replaces glycine 220 with arginine.
Molecular consequence: missense variant.
Genome position (GRCh38, 1-based): chr9:91,220,990, C>G on the plus strand (G>C on the coding strand, the complement: AUH is on the minus strand). VCF-style: chr9-91220990-C-G. GRCh37 (hg19) VCF-style: chr9-93983272-C-G.
Other names: c.571G>C, p.Gly191Arg (NM_001306190.2); c.331G>C, p.Gly111Arg (NM_001351431.2, NM_001351432.2, NM_001351433.2); short protein forms G191R, G220R, G111R.
Identifiers: ClinVar variation 1905499 (VCV001905499.5), dbSNP rs1165561302, ClinGen allele CA373835376.
Genomic context (GRCh38, chr9:91,220,990, plus strand): 5'-CAGAGAATATGAGCTCCTTGGCCAGGGACATTCCAATGGCGCGTGGCAATCGCTGTGTCC[C>G]CCCTGAGGGGTGAAAGAGAGAGAAAAGGCAATGATTTGACACCTGTTAGTTTTAACACTT-3'
Protein context (NP_001689.1, residues 210-230): TKLAIIPGGG[Gly220Arg]TQRLPRAIGM

ClinVar aggregate classification (germline): Uncertain significance (1 of 4 stars; one submission).

Conditions:
3-methylglutaconic aciduria type 1 (MGCA1). Identifiers: Orphanet 67046, MedGen C0342727, MONDO:0009610, OMIM 250950.

Allele frequency attached by ClinVar (database versions not stated): gnomAD 0.00001; TOPMed 0.00001; gnomAD exomes 0.00002.
gnomAD v4.1: 28 of 1,614,006 alleles (0.0017%); highest among the groups gnomAD compares: Non-Finnish European, 0.0024%; no homozygotes.

Submission:

Labcorp Genetics (formerly Invitae), Labcorp
Classification: Uncertain significance for 3-methylglutaconic aciduria type 1. Last evaluated: 2022-07-04. Review status: criteria provided, single submitter. Criteria: Invitae Variant Classification Sherloc (09022015). Collection method: clinical testing. Allele origin: germline.
Comment: This variant has not been reported in the literature in individuals affected with AUH-related conditions. This sequence change replaces glycine, which is neutral and non-polar, with arginine, which is basic and polar, at codon 220 of the AUH protein (p.Gly220Arg). This variant is present in population databases (no rsID available, gnomAD 0.0009%). Algorithms developed to predict the effect of missense changes on protein structure and function are either unavailable or do not agree on the potential impact of this missense change (SIFT: "Deleterious"; PolyPhen-2: "Probably Damaging"; Align-GVGD: "Class C15"). In summary, the available evidence is currently insufficient to determine the role of this variant in disease. Therefore, it has been classified as a Variant of Uncertain Significance.